The following is an entry in ClinVar:

NM_003126.4(SPTA1):c.4965_4966dup (p.Met1656fs)

Gene: SPTA1 (spectrin alpha, erythrocytic 1; minus strand). Cytogenetic location: 1q23.1.
Variant type: Microsatellite.
Coding change: c.4965_4966dup on transcript NM_003126.4 (MANE Select); coding-DNA positions 4965 to 4966, 2 bases duplicated (GA; older notation c.4965_4966dupGA).
Protein change: p.Met1656fs; shifts the reading frame from methionine 1656.
Molecular consequence: frameshift variant.
Genome position (GRCh38, 1-based): chr1:158,639,596-158,639,597, TC duplicated on the plus strand (GA on the coding strand, the reverse complement: SPTA1 is on the minus strand); duplicating any 2 consecutive bases within chr1:158,639,596-158,639,605 gives the same sequence; the c. name uses the placement nearest the transcript's 3' end. VCF-style (leftmost placement, unchanged base first): chr1-158639595-A-ATC. GRCh37 (hg19) VCF-style: chr1-158609385-A-ATC.
Other names: short protein forms M1656fs.
Identifiers: ClinVar variation 4773276 (VCV004773276.1).

ClinVar aggregate classification (germline): Pathogenic (1 of 4 stars; one submission).

Submission:

Labcorp Genetics (formerly Invitae), Labcorp
Classification: Pathogenic. Last evaluated: 2025-09-30. Review status: criteria provided, single submitter. Criteria: Invitae Variant Classification Sherloc (09022015). Collection method: clinical testing. Allele origin: germline.
Comment: This sequence change creates a premature translational stop signal (p.Met1656Argfs*12) in the SPTA1 gene. It is expected to result in an absent or disrupted protein product. Loss-of-function variants in SPTA1 are known to be pathogenic (PMID: 9192783, 18815189, 31333484, 31723846, 32266426). This variant is present in population databases (rs762721053, gnomAD 0.007%). This variant has not been reported in the literature in individuals affected with SPTA1-related conditions. For these reasons, this variant has been classified as Pathogenic.

Literature cited by the submitters: PubMed 9192783; PubMed 18815189; PubMed 31333484; PubMed 31723846; PubMed 32266426.